The following is an entry in ClinVar:

ClinVar aggregate classification (germline): Uncertain significance. Review status: criteria provided, multiple submitters, no conflicts (2 of 4 stars). 2 submissions from 2 submitters: Uncertain significance (2). Last evaluated 2025-02-25.

Conditions:
2-aminoadipic 2-oxoadipic aciduria (AAKAD). Also called: ALPHA-AMINOADIPIC AND ALPHA-KETOADIPIC ACIDURIA; Aminoadipic aciduria. Identifiers: Orphanet 79154, MedGen C1859817, MONDO:0008774, OMIM 204750.

Allele frequency attached by ClinVar (database versions not stated): gnomAD exomes below 0.00001; TOPMed 0.00001.
gnomAD v4.1: 7 of 1,614,086 alleles (0.00043%); highest among the groups gnomAD compares: South Asian, 0.0011%; no homozygotes.

Submissions (2):

Women's Health and Genetics/Laboratory Corporation of America, LabCorp
Classification: Uncertain significance. Last evaluated: 2025-02-25. Review status: criteria provided, single submitter. Criteria: LabCorp Variant Classification Summary - May 2015. Collection method: clinical testing. Allele origin: germline.
Comment: Variant summary: DHTKD1 c.1250G>A (p.Arg417His) results in a non-conservative amino acid change located in the dehydrogenase, E1 component domain (IPR001017) of the encoded protein sequence. Three of five in-silico tools predict a damaging effect of the variant on protein function. The variant was absent in 251492 control chromosomes (gnomAD). The available data on variant occurrences in the general population are insufficient to allow any conclusion about variant significance. To our knowledge, no occurrence of c.1250G>A in individuals affected with 2-aminoadipic 2-oxoadipic aciduria and no experimental evidence demonstrating its impact on protein function have been reported. ClinVar contains an entry for this variant (Variation ID: 2202218). Based on the evidence outlined above, the variant was classified as uncertain significance.

Labcorp Genetics (formerly Invitae), Labcorp
Classification: Uncertain significance for 2-aminoadipic 2-oxoadipic aciduria. Last evaluated: 2022-05-19. Review status: criteria provided, single submitter. Criteria: Invitae Variant Classification Sherloc (09022015). Collection method: clinical testing. Allele origin: germline.
Comment: This sequence change replaces arginine, which is basic and polar, with histidine, which is basic and polar, at codon 417 of the DHTKD1 protein (p.Arg417His). This variant is not present in population databases (gnomAD no frequency). This variant has not been reported in the literature in individuals affected with DHTKD1-related conditions. Algorithms developed to predict the effect of missense changes on protein structure and function (SIFT, PolyPhen-2, Align-GVGD) all suggest that this variant is likely to be tolerated. In summary, the available evidence is currently insufficient to determine the role of this variant in disease. Therefore, it has been classified as a Variant of Uncertain Significance.

NM_018706.7(DHTKD1):c.1250G>A (p.Arg417His)

Gene: DHTKD1 (dehydrogenase E1 and transketolase domain containing 1; plus strand). Cytogenetic location: 10p14.
Variant type: single nucleotide variant.
Coding change: c.1250G>A on transcript NM_018706.7 (MANE Select); coding-DNA position 1250, G replaced by A.
Protein change: p.Arg417His; replaces arginine 417 with histidine.
Molecular consequence: missense variant.
Genome position (GRCh38, 1-based): chr10:12,094,163, G>A. VCF-style: chr10-12094163-G-A. GRCh37 (hg19) VCF-style: chr10-12136162-G-A.
Other names: short protein forms R417H.
Identifiers: ClinVar variation 2202218 (VCV002202218.5), dbSNP rs1489239885, ClinGen allele CA376020202.